The following is an entry in ClinVar:

NM_032638.5(GATA2):c.529C>G (p.Pro177Ala)

Gene: GATA2 (GATA binding protein 2; minus strand). Cytogenetic location: 3q21.3.
Variant type: single nucleotide variant.
Coding change: c.529C>G on transcript NM_032638.5 (MANE Select); coding-DNA position 529, C replaced by G.
Protein change: p.Pro177Ala; replaces proline 177 with alanine.
Molecular consequence: missense variant.
Genome position (GRCh38, 1-based): chr3:128,486,069, G>C on the plus strand (C>G on the coding strand, the complement: GATA2 is on the minus strand). VCF-style: chr3-128486069-G-C. GRCh37 (hg19) VCF-style: chr3-128204912-G-C.
Other names: c.529C>G, p.Pro177Ala (NM_001145661.2, NM_001145662.1); short protein forms P177A.
Identifiers: ClinVar variation 4262142 (VCV004262142.1).

ClinVar aggregate classification (germline): Uncertain significance (1 of 4 stars; one submission).

Conditions:
Inborn genetic diseases. Identifiers: MedGen C0950123, MeSH D030342.

Submission:

Ambry Genetics
Classification: Uncertain significance for Inborn genetic diseases. Last evaluated: 2025-08-22. Review status: criteria provided, single submitter. Criteria: Ambry Variant Classification Scheme 2023. Collection method: clinical testing. Allele origin: germline.
Comment: The p.P177A variant (also known as c.529C>G), located in coding exon 2 of the GATA2 gene, results from a C to G substitution at nucleotide position 529. The proline at codon 177 is replaced by alanine, an amino acid with highly similar properties. This amino acid position is conserved. In addition, this alteration is predicted to be deleterious by in silico analysis. Based on the available evidence, the clinical significance of this variant remains unclear.